The following is an entry in ClinVar:

ClinVar aggregate classification (germline): Uncertain significance. Review status: criteria provided, multiple submitters, no conflicts (2 of 4 stars). 3 submissions from 3 submitters: Uncertain significance (3). Last evaluated 2025-08-25.

Conditions:
Mosaic variegated aneuploidy syndrome 2 (MVA2). Identifiers: Orphanet 1052, MedGen C3279843, MONDO:0013582, OMIM 614114.

Allele frequency attached by ClinVar (database versions not stated): gnomAD 0.00001; ESP Exome Variant Server 0.00008; gnomAD exomes 0.00003; TOPMed 0.00003; ExAC 0.00004.
gnomAD v4.1: 40 of 1,613,890 alleles (0.0025%); highest among the groups gnomAD compares: Middle Eastern, 0.017%; no homozygotes.

Submissions (3):

Dasa
Classification: Uncertain significance. Last evaluated: 2025-08-25. Review status: criteria provided, single submitter. Criteria: DASA Assertion Criteria. Collection method: clinical testing. Allele origin: germline.
Comment: NM_014679.5(CEP57):c.244C>T (p.Arg82Cys) is a missense variant that results in the substitution of arginine with cysteine. This variant is rare in population databases. Computational prediction algorithms are consistent with a benign effect. The currently available literature and clinical evidence are not sufficient to establish a definitive association between this variant and the reported condition. Therefore, this variant is classified as a variant of uncertain significance.

Labcorp Genetics (formerly Invitae), Labcorp
Classification: Uncertain significance for Mosaic variegated aneuploidy syndrome 2. Last evaluated: 2025-07-13. Review status: criteria provided, single submitter. Criteria: Invitae Variant Classification Sherloc (09022015). Collection method: clinical testing. Allele origin: germline.
Comment: This sequence change replaces arginine, which is basic and polar, with cysteine, which is neutral and slightly polar, at codon 82 of the CEP57 protein (p.Arg82Cys). This variant is present in population databases (rs372530656, gnomAD 0.006%). This variant has not been reported in the literature in individuals affected with CEP57-related conditions. ClinVar contains an entry for this variant (Variation ID: 855218). Invitae Evidence Modeling of protein sequence and biophysical properties (such as structural, functional, and spatial information, amino acid conservation, physicochemical variation, residue mobility, and thermodynamic stability) indicates that this missense variant is not expected to disrupt CEP57 protein function with a negative predictive value of 80%. In summary, the available evidence is currently insufficient to determine the role of this variant in disease. Therefore, it has been classified as a Variant of Uncertain Significance.

GeneDx
Classification: Uncertain significance. Last evaluated: 2022-11-11. Review status: criteria provided, single submitter. Criteria: GeneDx Variant Classification Process June 2021. Collection method: clinical testing. Allele origin: germline. Affected: yes.
Comment: In silico analysis supports that this missense variant has a deleterious effect on protein structure/function; Has not been previously published as pathogenic or benign to our knowledge

NM_014679.5(CEP57):c.244C>T (p.Arg82Cys)

Gene: CEP57 (centrosomal protein 57; plus strand). Cytogenetic location: 11q21.
Variant type: single nucleotide variant.
Coding change: c.244C>T on transcript NM_014679.5 (MANE Select); coding-DNA position 244, C replaced by T.
Protein change: p.Arg82Cys; replaces arginine 82 with cysteine.
Molecular consequence: missense variant.
Genome position (GRCh38, 1-based): chr11:95,812,973, C>T. VCF-style: chr11-95812973-C-T. GRCh37 (hg19) VCF-style: chr11-95546137-C-T.
Other names: c.217C>T, p.Arg73Cys (NM_001243776.2); c.244C>T, p.Arg82Cys (NM_001243777.2); c.163C>T, p.Arg55Cys (NM_001363604.2); short protein forms R73C, R55C, R82C.
Identifiers: ClinVar variation 855218 (VCV000855218.13), dbSNP rs372530656, ClinGen allele CA6239421.